The following is an entry in ClinVar:

ClinVar aggregate classification (germline): Uncertain significance (1 of 4 stars; one submission).

Conditions:
X-linked immunodeficiency with magnesium defect, Epstein-Barr virus infection and neoplasia. Identifiers: Orphanet 317476, MedGen C3275445, MONDO:0010455, OMIM 300853.

gnomAD v4.1: 1 of 1,159,703 alleles (0.000086%); highest among the groups gnomAD compares: Non-Finnish European, 0.00012%; no homozygotes.

Submission:

Labcorp Genetics (formerly Invitae), Labcorp
Classification: Uncertain significance for X-linked immunodeficiency with magnesium defect, Epstein-Barr virus infection and neoplasia. Last evaluated: 2025-09-02. Review status: criteria provided, single submitter. Criteria: Invitae Variant Classification Sherloc (09022015). Collection method: clinical testing. Allele origin: germline.
Comment: This sequence change replaces methionine, which is neutral and non-polar, with isoleucine, which is neutral and non-polar, at codon 349 of the MAGT1 protein (p.Met349Ile). This variant is not present in population databases (gnomAD no frequency). This variant has not been reported in the literature in individuals affected with MAGT1-related conditions. ClinVar contains an entry for this variant (Variation ID: 2004831). Invitae Evidence Modeling of protein sequence and biophysical properties (such as structural, functional, and spatial information, amino acid conservation, physicochemical variation, residue mobility, and thermodynamic stability) indicates that this missense variant is not expected to disrupt MAGT1 protein function with a negative predictive value of 80%. In summary, the available evidence is currently insufficient to determine the role of this variant in disease. Therefore, it has been classified as a Variant of Uncertain Significance.

NM_001367916.1(MAGT1):c.951G>T (p.Met317Ile)

Gene: MAGT1 (magnesium transporter 1; minus strand). Cytogenetic location: Xq21.1.
Variant type: single nucleotide variant.
Coding change: c.951G>T on transcript NM_001367916.1 (MANE Select); coding-DNA position 951, G replaced by T.
Protein change: p.Met317Ile; replaces methionine 317 with isoleucine.
Molecular consequence: missense variant.
Genome position (GRCh38, 1-based): chrX:77,830,846, C>A on the plus strand (G>T on the coding strand, the complement: MAGT1 is on the minus strand). VCF-style: chrX-77830846-C-A. GRCh37 (hg19) VCF-style: chrX-77086343-C-A.
Other names: c.1047G>T, p.Met349Ile (NM_032121.5); short protein forms M317I, M349I.
Identifiers: ClinVar variation 2004831 (VCV002004831.4), dbSNP rs2076895504, ClinGen allele CA413709937.
Genomic context (GRCh38, chrX:77,830,846, plus strand): 5'-CAAAAAATAAGAATCATACCTGTATGGGTAGCCATGATATTTAGATCTAAAAATAGAGAG[C>A]ATCCAACTGAAGAATAATACAACAAGTCCAATACCAGCCACACACATTACTGCAGAAAAA-3'
Protein context (NP_001354845.1, residues 307-327): IGLVVLFFSW[Met317Ile]LSIFRSKYHG